The following is an entry in ClinVar:

NM_032638.5(GATA2):c.517T>C (p.Phe173Leu)

Gene: GATA2 (GATA binding protein 2; minus strand). Cytogenetic location: 3q21.3.
Variant type: single nucleotide variant.
Coding change: c.517T>C on transcript NM_032638.5 (MANE Select); coding-DNA position 517, T replaced by C.
Protein change: p.Phe173Leu; replaces phenylalanine 173 with leucine.
Molecular consequence: missense variant.
Genome position (GRCh38, 1-based): chr3:128,486,081, A>G on the plus strand (T>C on the coding strand, the complement: GATA2 is on the minus strand). VCF-style: chr3-128486081-A-G. GRCh37 (hg19) VCF-style: chr3-128204924-A-G.
Other names: c.517T>C, p.Phe173Leu (NM_001145661.2, NM_001145662.1); short protein forms F173L.
Identifiers: ClinVar variation 1493181 (VCV001493181.8), dbSNP rs2107672486, ClinGen allele CA354406602.

ClinVar aggregate classification (germline): Uncertain significance (1 of 4 stars; one submission).

Conditions:
Monocytopenia with susceptibility to infections. Also called: MONOCYTOPENIA AND MYCOBACTERIAL INFECTION SYNDROME; MONOCYTOPENIA WITH SUSCEPTIBILITY TO MYCOBACTERIAL, FUNGAL, AND PAPILLOMAVIRUS INFECTIONS AND MYELODYSPLASIA; COMBINED IMMUNODEFICIENCY WITH SUSCEPTIBILITY TO MYCOBACTERIAL, VIRAL, AND FUNGAL INFECTIONS; Dendritic cell, monocyte, B lymphocyte, and natural killer lymphocyte deficiency; IMMUNODEFICIENCY 21; GATA2 DEFICIENCY. Identifiers: Orphanet 228423, MedGen C3280030, MONDO:0013607, OMIM 614172.
Deafness-lymphedema-leukemia syndrome. Also called: Lymphedema, primary, with myelodysplasia; Emberger syndrome. Identifiers: Orphanet 3226, MedGen C3279664, MONDO:0013540, OMIM 614038.

Submission:

Labcorp Genetics (formerly Invitae), Labcorp
Classification: Uncertain significance for Monocytopenia with susceptibility to infections; Deafness-lymphedema-leukemia syndrome. Last evaluated: 2021-04-14. Review status: criteria provided, single submitter. Criteria: Invitae Variant Classification Sherloc (09022015). Collection method: clinical testing. Allele origin: germline.
Comment: In summary, the available evidence is currently insufficient to determine the role of this variant in disease. Therefore, it has been classified as a Variant of Uncertain Significance. Advanced modeling of protein sequence and biophysical properties (such as structural, functional, and spatial information, amino acid conservation, physicochemical variation, residue mobility, and thermodynamic stability) performed at Invitae indicates that this missense variant is not expected to disrupt GATA2 protein function. This variant has not been reported in the literature in individuals with GATA2-related conditions. This variant is not present in population databases (ExAC no frequency). This sequence change replaces phenylalanine with leucine at codon 173 of the GATA2 protein (p.Phe173Leu). The phenylalanine residue is moderately conserved and there is a small physicochemical difference between phenylalanine and leucine.